The following is an entry in ClinVar:

ClinVar aggregate classification (germline): Uncertain significance (1 of 4 stars; one submission).

Conditions:
Mendelian susceptibility to mycobacterial diseases due to complete IL12RB1 deficiency. Also called: Immunodeficiency 30; IL12RB1 DEFICIENCY. Identifiers: Orphanet 319552, MedGen C4013949, MONDO:0013955, OMIM 614891.

Allele frequency attached by ClinVar (database versions not stated): gnomAD exomes 0.00002; ExAC 0.00004.
gnomAD v4.1: 9 of 1,612,182 alleles (0.00056%); highest among the groups gnomAD compares: Non-Finnish European, 0.000085%; no homozygotes.

Submission:

Labcorp Genetics (formerly Invitae), Labcorp
Classification: Uncertain significance for Mendelian susceptibility to mycobacterial diseases due to complete IL12RB1 deficiency. Last evaluated: 2023-10-13. Review status: criteria provided, single submitter. Criteria: Invitae Variant Classification Sherloc (09022015). Collection method: clinical testing. Allele origin: germline.
Comment: This sequence change replaces glutamine, which is neutral and polar, with proline, which is neutral and non-polar, at codon 410 of the IL12RB1 protein (p.Gln410Pro). This variant is present in population databases (rs777395626, gnomAD 0.005%). This variant has not been reported in the literature in individuals affected with IL12RB1-related conditions. ClinVar contains an entry for this variant (Variation ID: 1422345). Advanced modeling of protein sequence and biophysical properties (such as structural, functional, and spatial information, amino acid conservation, physicochemical variation, residue mobility, and thermodynamic stability) performed at Invitae indicates that this missense variant is not expected to disrupt IL12RB1 protein function. In summary, the available evidence is currently insufficient to determine the role of this variant in disease. Therefore, it has been classified as a Variant of Uncertain Significance.

NM_005535.3(IL12RB1):c.1229A>C (p.Gln410Pro)

Gene: IL12RB1 (interleukin 12 receptor subunit beta 1; minus strand). Cytogenetic location: 19p13.11.
Variant type: single nucleotide variant.
Coding change: c.1229A>C on transcript NM_005535.3 (MANE Select); coding-DNA position 1229, A replaced by C.
Protein change: p.Gln410Pro; replaces glutamine 410 with proline.
Molecular consequence: missense variant.
Genome position (GRCh38, 1-based): chr19:18,068,487, T>G on the plus strand (A>C on the coding strand, the complement: IL12RB1 is on the minus strand). VCF-style: chr19-18068487-T-G. GRCh37 (hg19) VCF-style: chr19-18179297-T-G.
Other names: c.1229A>C, p.Gln410Pro (NM_001290023.2); c.1349A>C, p.Gln450Pro (NM_001290024.2); short protein forms Q410P, Q450P.
Identifiers: ClinVar variation 1422345 (VCV001422345.8), dbSNP rs777395626, ClinGen allele CA9304911.